The following is an entry in ClinVar:

NM_005055.5(RAPSN):c.115C>T (p.Leu39Phe)

Gene: RAPSN (receptor associated protein of the synapse; minus strand). Cytogenetic location: 11p11.2.
Variant type: single nucleotide variant.
Coding change: c.115C>T on transcript NM_005055.5 (MANE Select); coding-DNA position 115, C replaced by T.
Protein change: p.Leu39Phe; replaces leucine 39 with phenylalanine.
Molecular consequence: missense variant.
Genome position (GRCh38, 1-based): chr11:47,448,850, G>A on the plus strand (C>T on the coding strand, the complement: RAPSN is on the minus strand). VCF-style: chr11-47448850-G-A. GRCh37 (hg19) VCF-style: chr11-47470402-G-A.
Other names: c.115C>T, p.Leu39Phe (NM_032645.5); short protein forms L39F.
Identifiers: ClinVar variation 2038141 (VCV002038141.4), dbSNP rs1469646172, ClinGen allele CA380336754.

ClinVar aggregate classification (germline): Uncertain significance (1 of 4 stars; one submission).

Conditions:
Fetal akinesia deformation sequence 1 (FADS1). Also called: Fetal akinesia sequence; Pena-Shokeir syndrome type I. Identifiers: Orphanet 994, MedGen C1276035, MONDO:0100101, OMIM 208150, HP:0001989.
Congenital myasthenic syndrome 11. Also called: MYASTHENIC SYNDROME, CONGENITAL, Ie; Myasthenic syndrome, congenital, 11, associated with acetylcholine receptor deficiency. Identifiers: Orphanet 590, MedGen C4225367, MONDO:0014588, OMIM 616326.

Submission:

Labcorp Genetics (formerly Invitae), Labcorp
Classification: Uncertain significance for Congenital myasthenic syndrome 11; Fetal akinesia deformation sequence 1. Last evaluated: 2023-08-04. Review status: criteria provided, single submitter. Criteria: Invitae Variant Classification Sherloc (09022015). Collection method: clinical testing. Allele origin: germline.
Comment: In summary, the available evidence is currently insufficient to determine the role of this variant in disease. Therefore, it has been classified as a Variant of Uncertain Significance. Advanced modeling of protein sequence and biophysical properties (such as structural, functional, and spatial information, amino acid conservation, physicochemical variation, residue mobility, and thermodynamic stability) performed at Invitae indicates that this missense variant is not expected to disrupt RAPSN protein function. ClinVar contains an entry for this variant (Variation ID: 2038141). This variant has not been reported in the literature in individuals affected with RAPSN-related conditions. This variant is not present in population databases (gnomAD no frequency). This sequence change replaces leucine, which is neutral and non-polar, with phenylalanine, which is neutral and non-polar, at codon 39 of the RAPSN protein (p.Leu39Phe).